The following is an entry in ClinVar:

ClinVar aggregate classification (germline): Pathogenic. Review status: criteria provided, multiple submitters, no conflicts (2 of 4 stars). 2 submissions from 2 submitters: Pathogenic (2). Last evaluated 2024-10-10.

Conditions:
Hyperinsulinemic hypoglycemia, familial, 1 (HHF1). Also called: NESIDIOBLASTOSIS OF PANCREAS; Persistent hyperinsulinemic hypoglycemia of infancy; HYPERINSULINISM, FAMILIAL, WITH PANCREATIC NESIDIOBLASTOSIS; HYPOGLYCEMIA, HYPERINSULINEMIC, OF INFANCY; Persistent Hyperinsulinemia Hypoglycemia of Infancy. Identifiers: Orphanet 276575, Orphanet 276598, MedGen C2931832, MONDO:0009734, OMIM 256450.

Submissions (2):

Victorian Clinical Genetics Services, Murdoch Childrens Research Institute
Classification: Pathogenic for Hyperinsulinemic hypoglycemia, familial, 1. Last evaluated: 2024-10-10. Review status: criteria provided, single submitter. Criteria: ACMG Guidelines, 2015. Collection method: clinical testing. Allele origin: germline.
Comment: Based on the classification scheme VCGS_Germline_v1.3.4, this variant is classified as Pathogenic. Following criteria are met: 0103 - Loss- and gain-of-function are known mechanisms of disease in this gene and are associated with Congenital Hyperinsulism (CHI) and Neonatal Diabetes Mellitus (NDM), respectively (PMIDs: 32376986; 32027066). (I) 0108 - This gene is known to be associated with both recessive and dominant disease. The ABCC8 gene has been associated with both autosomal recessive and dominant NDM and CHI (PMID: 32027066). (I) 0115 - Variants in this gene are known to have variable expressivity (PMID: 18596924; 22106158). (I) 0201 - Variant is predicted to cause nonsense-mediated decay (NMD) and loss of protein (premature termination codon is located at least 54 nucleotides upstream of the final exon-exon junction). (SP) 0251 - This variant is heterozygous. (I) 0301 - Variant is absent from gnomAD (both v2 and v3). (SP) 0701 - Other NMD predicted variants comparable to the one identified in this case have very strong previous evidence for pathogenicity. Many other NMD predicted variants have been reported in patients with congenital hyperinsulinism (PMID: 26740944, ClinVar). (SP) 0807 - This variant has no previous evidence of pathogenicity. (I) 0905 - No published segregation evidence has been identified for this variant. (I) 1007 - No published functional evidence has been identified for this variant. (I) Legend: (SP) - Supporting pathogenic, (I) - Information, (SB) - Supporting benign

Labcorp Genetics (formerly Invitae), Labcorp
Classification: Pathogenic. Last evaluated: 2021-12-03. Review status: criteria provided, single submitter. Criteria: Invitae Variant Classification Sherloc (09022015). Collection method: clinical testing. Allele origin: germline.
Comment: This sequence change creates a premature translational stop signal (p.Val1259Glyfs*147) in the ABCC8 gene. It is expected to result in an absent or disrupted protein product. Loss-of-function variants in ABCC8 are known to be pathogenic (PMID: 20685672, 23345197). This variant is not present in population databases (gnomAD no frequency). This variant has not been reported in the literature in individuals affected with ABCC8-related conditions. For these reasons, this variant has been classified as Pathogenic.

Literature cited by the submitters: PubMed 18596924 (cited by Victorian Clinical Genetics Services, Murdoch Childrens Research Institute); PubMed 22106158 (cited by Victorian Clinical Genetics Services, Murdoch Childrens Research Institute); PubMed 26740944 (cited by Victorian Clinical Genetics Services, Murdoch Childrens Research Institute); PubMed 32027066 (cited by Victorian Clinical Genetics Services, Murdoch Childrens Research Institute); PubMed 32376986 (cited by Victorian Clinical Genetics Services, Murdoch Childrens Research Institute); PubMed 20685672 (cited by Labcorp Genetics (formerly Invitae), Labcorp); PubMed 23345197 (cited by Labcorp Genetics (formerly Invitae), Labcorp).

NM_000352.6(ABCC8):c.3773dup (p.Val1259fs)

Gene: ABCC8 (ATP binding cassette subfamily C member 8; minus strand). Cytogenetic location: 11p15.1.
Variant type: Duplication.
Coding change: c.3773dup on transcript NM_000352.6 (MANE Select); coding-DNA position 3773, one base duplicated (T; older notation c.3773dupT).
Protein change: p.Val1259fs; shifts the reading frame from valine 1259.
Molecular consequence: frameshift variant. On other transcripts: non-coding transcript variant (1).
Genome position (GRCh38, 1-based): chr11:17,397,778, A duplicated on the plus strand (T on the coding strand, the reverse complement: ABCC8 is on the minus strand). VCF-style (leftmost placement, unchanged base first): chr11-17397777-C-CA. GRCh37 (hg19) VCF-style: chr11-17419324-C-CA.
Other names: c.3776dup, p.Val1260fs (NM_001287174.3); c.3839dup, p.Val1281fs (NM_001351295.2); c.3773dup, p.Val1259fs (NM_001351296.2); c.3770dup, p.Val1258fs (NM_001351297.2); c.3776dupT (NM_001287174.1); short protein forms V1281fs, V1259fs, V1260fs, V1258fs.
Identifiers: ClinVar variation 1452922 (VCV001452922.7), dbSNP rs2133411551, ClinGen allele CA923726177.